The following is an entry in ClinVar:

ClinVar aggregate classification (germline): Conflicting classifications of pathogenicity. Review status: criteria provided, conflicting classifications (1 of 4 stars). 5 submissions from 5 submitters: Uncertain significance (1); Benign (1); Likely benign (3). Last evaluated 2026-01-22.

Conditions:
Nemaline myopathy 2 (NEM2). Also called: Nemaline myopathy 2, autosomal recessive. Identifiers: MedGen C1850569, MONDO:0009725, OMIM 256030.

Allele frequency attached by ClinVar (database versions not stated): gnomAD 0.00035 and 0.00039; TOPMed 0.00037; ESP Exome Variant Server 0.00040; gnomAD exomes 0.00058 and 0.00070; ExAC 0.00070.
gnomAD v4.1: 1,082 of 1,607,464 alleles (0.067%); highest among the groups gnomAD compares: South Asian, 0.099%; 2 homozygotes.

Submissions (5):

Labcorp Genetics (formerly Invitae), Labcorp
Classification: Benign for Nemaline myopathy 2. Last evaluated: 2026-01-22. Review status: criteria provided, single submitter. Criteria: Invitae Variant Classification Sherloc (09022015). Collection method: clinical testing. Allele origin: germline.

Blueprint Genetics
Classification: Likely benign. Last evaluated: 2024-11-23. Review status: criteria provided, single submitter. Criteria: ACMG Guidelines, 2015. Collection method: clinical testing. Allele origin: germline.

CeGaT Center for Human Genetics Tuebingen
Classification: Likely benign. Last evaluated: 2024-01-01. Review status: criteria provided, single submitter. Criteria: CeGaT Center For Human Genetics Tuebingen Variant Classification Criteria Version 2. Collection method: clinical testing. Allele origin: germline. Affected: yes. Observed: 3 variant alleles.
Comment: NEB: BP4

Illumina Laboratory Services, Illumina
Classification: Uncertain significance for Nemaline myopathy 2. Last evaluated: 2018-01-13. Review status: criteria provided, single submitter. Criteria: ICSL Variant Classification Criteria 13 December 2019. Collection method: clinical testing. Allele origin: germline.

GeneDx
Classification: Likely benign. Last evaluated: 2016-05-13. Review status: criteria provided, single submitter. Criteria: GeneDx Variant Classification (06012015). Collection method: clinical testing. Allele origin: germline. Affected: yes.
Comment: This variant is considered likely benign or benign based on one or more of the following criteria: it is a conservative change, it occurs at a poorly conserved position in the protein, it is predicted to be benign by multiple in silico algorithms, and/or has population frequency not consistent with disease.

NM_001164508.2(NEB):c.20466+7G>A

Gene: NEB (nebulin; minus strand). Cytogenetic location: 2q23.3.
Variant type: single nucleotide variant.
Coding change: c.20466+7G>A on transcript NM_001164508.2 (MANE Select); 7 bases into the intron after coding-DNA position 20466, G replaced by A.
Molecular consequence: intron variant.
Genome position (GRCh38, 1-based): chr2:151,546,338, C>T on the plus strand (G>A on the coding strand, the complement: NEB is on the minus strand). VCF-style: chr2-151546338-C-T. GRCh37 (hg19) VCF-style: chr2-152402852-C-T.
Other names: c.15363+7G>A (NM_004543.5); c.20466+7G>A (NM_001164507.2, NM_001271208.2).
Identifiers: ClinVar variation 385752 (VCV000385752.60), dbSNP rs201684605, ClinGen allele CA1907295.